The following is an entry in ClinVar:

ClinVar aggregate classification (germline): Uncertain significance. Review status: criteria provided, multiple submitters, no conflicts (2 of 4 stars). 2 submissions from 2 submitters: Uncertain significance (2). Last evaluated 2023-09-27.

Conditions:
Polyposis syndrome, hereditary mixed, 2. Identifiers: Orphanet 157794, MedGen C1864730, MONDO:0012405, OMIM 610069.
Juvenile polyposis syndrome (JPS). Identifiers: Orphanet 2929, MedGen C0345893, MONDO:0017380, OMIM 174900.

Submissions (2):

Baylor Genetics
Classification: Uncertain significance for Polyposis syndrome, hereditary mixed, 2. Last evaluated: 2023-09-27. Review status: criteria provided, single submitter. Criteria: ACMG Guidelines, 2015. Collection method: clinical testing. Allele origin: unknown.

Labcorp Genetics (formerly Invitae), Labcorp
Classification: Uncertain significance for Juvenile polyposis syndrome. Last evaluated: 2022-06-09. Review status: criteria provided, single submitter. Criteria: Invitae Variant Classification Sherloc (09022015). Collection method: clinical testing. Allele origin: germline.
Comment: In summary, the available evidence is currently insufficient to determine the role of this variant in disease. Therefore, it has been classified as a Variant of Uncertain Significance. Algorithms developed to predict the effect of sequence changes on RNA splicing suggest that this variant may create or strengthen a splice site. Algorithms developed to predict the effect of missense changes on protein structure and function are either unavailable or do not agree on the potential impact of this missense change (SIFT: "Deleterious"; PolyPhen-2: "Probably Damaging"; Align-GVGD: "Class C0"). This variant has not been reported in the literature in individuals affected with BMPR1A-related conditions. This variant is not present in population databases (gnomAD no frequency). This sequence change replaces arginine, which is basic and polar, with glycine, which is neutral and non-polar, at codon 494 of the BMPR1A protein (p.Arg494Gly).

NM_004329.3(BMPR1A):c.1480C>G (p.Arg494Gly)

Gene: BMPR1A (bone morphogenetic protein receptor type 1A; plus strand). Cytogenetic location: 10q23.2.
Variant type: single nucleotide variant.
Coding change: c.1480C>G on transcript NM_004329.3 (MANE Select); coding-DNA position 1480, C replaced by G.
Protein change: p.Arg494Gly; replaces arginine 494 with glycine.
Molecular consequence: missense variant.
Genome position (GRCh38, 1-based): chr10:86,923,600, C>G. VCF-style: chr10-86923600-C-G. GRCh37 (hg19) VCF-style: chr10-88683357-C-G.
Other names: c.1555C>G, p.Arg519Gly (NM_001406559.1); c.1528C>G, p.Arg510Gly (NM_001406560.1); c.1480C>G, p.Arg494Gly (NM_001406561.1, NM_001406562.1, NM_001406563.1 and 19 more transcripts); c.1396C>G, p.Arg466Gly (NM_001406586.1, NM_001406587.1, NM_001406588.1 and 2 more transcripts); c.1138C>G, p.Arg380Gly (NM_001406589.1); c.1474C>G, p.Arg492Gly (NM_001406583.1); short protein forms R492G, R510G, R466G, R494G, R519G, R380G.
Identifiers: ClinVar variation 1999160 (VCV001999160.5), dbSNP rs786201040, ClinGen allele CA377463681.